The following is an entry in ClinVar:

ClinVar aggregate classification (germline): Uncertain significance. Review status: criteria provided, multiple submitters, no conflicts (2 of 4 stars). 2 submissions from 2 submitters: Uncertain significance (2). Last evaluated 2024-09-26.

Conditions:
Inborn genetic diseases. Identifiers: MedGen C0950123, MeSH D030342.
Spastic paraplegia. Identifiers: MedGen C0037772, HP:0001258.

gnomAD v4.1: 7 of 1,613,708 alleles (0.00043%); highest among the groups gnomAD compares: Non-Finnish European, 0.00051%; no homozygotes.

Submissions (2):

Ambry Genetics
Classification: Uncertain significance for Inborn genetic diseases. Last evaluated: 2024-09-26. Review status: criteria provided, single submitter. Criteria: Ambry Variant Classification Scheme 2023. Collection method: clinical testing. Allele origin: germline.

Labcorp Genetics (formerly Invitae), Labcorp
Classification: Uncertain significance for Spastic paraplegia. Last evaluated: 2022-07-06. Review status: criteria provided, single submitter. Criteria: Invitae Variant Classification Sherloc (09022015). Collection method: clinical testing. Allele origin: germline.
Comment: This sequence change replaces isoleucine, which is neutral and non-polar, with methionine, which is neutral and non-polar, at codon 152 of the CYP7B1 protein (p.Ile152Met). This variant is not present in population databases (gnomAD no frequency). This variant has not been reported in the literature in individuals affected with CYP7B1-related conditions. ClinVar contains an entry for this variant (Variation ID: 1444502). Algorithms developed to predict the effect of missense changes on protein structure and function (SIFT, PolyPhen-2, Align-GVGD) all suggest that this variant is likely to be tolerated. In summary, the available evidence is currently insufficient to determine the role of this variant in disease. Therefore, it has been classified as a Variant of Uncertain Significance.

NM_004820.5(CYP7B1):c.456A>G (p.Ile152Met)

Gene: CYP7B1 (cytochrome P450 family 7 subfamily B member 1; minus strand). Cytogenetic location: 8q12.3.
Variant type: single nucleotide variant.
Coding change: c.456A>G on transcript NM_004820.5 (MANE Select); coding-DNA position 456, A replaced by G.
Protein change: p.Ile152Met; replaces isoleucine 152 with methionine.
Molecular consequence: missense variant.
Genome position (GRCh38, 1-based): chr8:64,616,085, T>C on the plus strand (A>G on the coding strand, the complement: CYP7B1 is on the minus strand). VCF-style: chr8-64616085-T-C. GRCh37 (hg19) VCF-style: chr8-65528642-T-C.
Other names: c.456A>G, p.Ile152Met (NM_001324112.2); c.456A>G (NM_004820.3); short protein forms I152M.
Identifiers: ClinVar variation 1444502 (VCV001444502.6), dbSNP rs1805441459, ClinGen allele CA371335711.